The following is an entry in ClinVar:

NM_052845.4(MMAB):c.*2835T>C

Gene: MMAB (metabolism of cobalamin associated B; minus strand). Cytogenetic location: 12q24.11.
Variant type: single nucleotide variant.
Coding change: c.*2835T>C on transcript NM_052845.4 (MANE Select); 2835 bases downstream of the stop codon, T replaced by C.
Molecular consequence: 3 prime UTR variant. On other transcripts: non-coding transcript variant (1).
Genome position (GRCh38, 1-based): chr12:109,554,193, A>G on the plus strand (T>C on the coding strand, the complement: MMAB is on the minus strand). VCF-style: chr12-109554193-A-G. GRCh37 (hg19) VCF-style: chr12-109991998-A-G.
Identifiers: ClinVar variation 307007 (VCV000307007.6), dbSNP rs12817689, ClinGen allele CA6778526.

ClinVar aggregate classification (germline): Benign. Review status: criteria provided, multiple submitters, no conflicts (2 of 4 stars). 2 submissions from 2 submitters: Benign (2). Last evaluated 2018-01-12.

Conditions:
Methylmalonic aciduria, cblB type (MACB). Also called: Vitamin B12-responsive methylmalonic acidemia type cblB; METHYLMALONIC ACIDURIA, VITAMIN B12-RESPONSIVE, DUE TO DEFECT IN SYNTHESIS OF ADENOSYLCOBALAMIN, cblB TYPE; Methylmalonic acidemia cblB type. Identifiers: Orphanet 28, Orphanet 79311, MedGen C1855102, MONDO:0009614, OMIM 251110.

Allele frequency attached by ClinVar (database versions not stated): 1000 Genomes Project 0.16114; gnomAD exomes 0.16210; gnomAD 0.17090 and 0.16911; ExAC 0.14782; 1000 Genomes Project 30x 0.16818; TOPMed 0.17642.
gnomAD v4.1: 74,809 of 453,124 alleles (17%); highest among the groups gnomAD compares: Middle Eastern, 19%; 6,459 homozygotes.

Submissions (2):

Illumina Laboratory Services, Illumina
Classification: Benign for Methylmalonic aciduria, cblB type. Last evaluated: 2018-01-12. Review status: criteria provided, single submitter. Criteria: ICSL Variant Classification Criteria 13 December 2019. Collection method: clinical testing. Allele origin: germline.
Comment: This variant was observed in the ICSL laboratory as part of a predisposition screen in an ostensibly healthy population. It had not been previously curated by ICSL or reported in the Human Gene Mutation Database (HGMD: prior to June 1st, 2018), and was therefore a candidate for classification through an automated scoring system. Utilizing variant allele frequency, disease prevalence and penetrance estimates, and inheritance mode, an automated score was calculated to assess if this variant is too frequent to cause the disease. Based on the score and internal cut-off values, a variant classified as benign is not then subjected to further curation. The score for this variant resulted in a classification of benign for this disease.

Breakthrough Genomics
Classification: Benign. Review status: criteria provided, single submitter. Criteria: ACMG Guidelines, 2015. Collection method: not provided. Allele origin: germline. Inheritance: Autosomal recessive inheritance. Affected: yes.